The following is an entry in ClinVar:

ClinVar aggregate classification (germline): Uncertain significance (1 of 4 stars; one submission).

Conditions:
Ichthyosis linearis circumflexa. Identifiers: MedGen C0265962, MONDO:0043106, HP:0025810.

Allele frequency attached by ClinVar (database versions not stated): TOPMed below 0.00001.

Submission:

Labcorp Genetics (formerly Invitae), Labcorp
Classification: Uncertain significance for Ichthyosis linearis circumflexa. Last evaluated: 2022-03-07. Review status: criteria provided, single submitter. Criteria: Invitae Variant Classification Sherloc (09022015). Collection method: clinical testing. Allele origin: germline.
Comment: In summary, the available evidence is currently insufficient to determine the role of this variant in disease. Therefore, it has been classified as a Variant of Uncertain Significance. Algorithms developed to predict the effect of missense changes on protein structure and function are either unavailable or do not agree on the potential impact of this missense change (SIFT: "Deleterious"; PolyPhen-2: "Probably Damaging"; Align-GVGD: "Class C0"). This variant has not been reported in the literature in individuals affected with SPINK5-related conditions. This variant is not present in population databases (gnomAD no frequency). This sequence change replaces proline, which is neutral and non-polar, with serine, which is neutral and polar, at codon 1000 of the SPINK5 protein (p.Pro1000Ser).

NM_006846.4(SPINK5):c.2998C>T (p.Pro1000Ser)

Gene: SPINK5 (serine peptidase inhibitor Kazal type 5; plus strand). Cytogenetic location: 5q32.
Variant type: single nucleotide variant.
Coding change: c.2998C>T on transcript NM_006846.4 (MANE Select); coding-DNA position 2998, C replaced by T.
Protein change: p.Pro1000Ser; replaces proline 1000 with serine.
Molecular consequence: missense variant.
Genome position (GRCh38, 1-based): chr5:148,131,292, C>T. VCF-style: chr5-148131292-C-T. GRCh37 (hg19) VCF-style: chr5-147510855-C-T.
Other names: c.3088C>T, p.Pro1030Ser (NM_001127698.2); short protein forms P1000S, P1030S.
Identifiers: ClinVar variation 1404916 (VCV001404916.5), dbSNP rs1469446157, ClinGen allele CA361652014.